The following is an entry in ClinVar:

NM_000057.4(BLM):c.407T>G (p.Leu136Arg)

Gene: BLM (BLM RecQ like helicase; plus strand). Cytogenetic location: 15q26.1.
Variant type: single nucleotide variant.
Coding change: c.407T>G on transcript NM_000057.4 (MANE Select); coding-DNA position 407, T replaced by G.
Protein change: p.Leu136Arg; replaces leucine 136 with arginine.
Molecular consequence: missense variant. On other transcripts: 5 prime UTR variant (1).
Genome position (GRCh38, 1-based): chr15:90,749,675, T>G. VCF-style: chr15-90749675-T-G. GRCh37 (hg19) VCF-style: chr15-91292905-T-G.
Other names: c.407T>G, p.Leu136Arg (NM_001287246.2, NM_001287247.2); c.-885T>G (NM_001287248.2); short protein forms L136R.
Identifiers: ClinVar variation 1737623 (VCV001737623.2), dbSNP rs2505392159, ClinGen allele CA393840479.
Genomic context (GRCh38, chr15:90,749,675, plus strand): 5'-AGGAAGTTGTATGCACTACCCAAAACACACCAACTGTAAAGAAATCCCGGGATACTGCTC[T>G]CAAGAAATTAGAATTTAGTTCTTCACCAGATTCTTTAAGTACCATCAATGATTGGGATGA-3'
Protein context (NP_000048.1, residues 126-146): PTVKKSRDTA[Leu136Arg]KKLEFSSSPD

ClinVar aggregate classification (germline): Uncertain significance (1 of 4 stars; one submission).

Conditions:
Hereditary cancer-predisposing syndrome. Also called: Neoplastic Syndromes, Hereditary; Tumor predisposition; Hereditary Cancer Syndrome; Hereditary neoplastic syndrome. Identifiers: Orphanet 140162, MedGen C0027672, MeSH D009386, MONDO:0015356.

Submission:

Ambry Genetics
Classification: Uncertain significance for Hereditary cancer-predisposing syndrome. Last evaluated: 2022-03-24. Review status: criteria provided, single submitter. Criteria: Ambry Variant Classification Scheme 2023. Collection method: clinical testing. Allele origin: germline.
Comment: The p.L136R variant (also known as c.407T>G), located in coding exon 2 of the BLM gene, results from a T to G substitution at nucleotide position 407. The leucine at codon 136 is replaced by arginine, an amino acid with dissimilar properties. This amino acid position is conserved. In addition, this alteration is predicted to be tolerated by in silico analysis. Since supporting evidence is limited at this time, the clinical significance of this alteration remains unclear.